The following is an entry in ClinVar:

ClinVar aggregate classification (germline): Likely pathogenic (1 of 4 stars; one submission).

Conditions:
Dilated cardiomyopathy 1G (CMD1G). Identifiers: Orphanet 154, MedGen C1858763, MONDO:0011400, OMIM 604145.
Autosomal recessive limb-girdle muscular dystrophy type 2J (LGMDR10). Also called: Limb-girdle muscular dystrophy, type 2J; MUSCULAR DYSTROPHY, LIMB-GIRDLE, AUTOSOMAL RECESSIVE 10. Identifiers: Orphanet 140922, MedGen C1837342, MONDO:0012127, OMIM 608807.

Allele frequency attached by ClinVar (database versions not stated): gnomAD exomes below 0.00001.
gnomAD v4.1: 1 of 1,613,956 alleles (0.000062%); highest among the groups gnomAD compares: Non-Finnish European, 0.000085%; no homozygotes.

Submission:

Labcorp Genetics (formerly Invitae), Labcorp
Classification: Likely pathogenic for Dilated cardiomyopathy 1G; Autosomal recessive limb-girdle muscular dystrophy type 2J. Last evaluated: 2025-11-12. Review status: criteria provided, single submitter. Criteria: Invitae Variant Classification Sherloc (09022015). Collection method: clinical testing. Allele origin: germline.
Comment: This sequence change creates a premature translational stop signal (p.Gln34176*) in the TTN gene. While this is not anticipated to result in nonsense mediated decay, it is expected to create a truncated TTN protein. This variant is not present in population databases (gnomAD no frequency). This variant has not been reported in the literature in individuals affected with TTN-related conditions. ClinVar contains an entry for this variant (Variation ID: 2938185). This variant is located in the M band of TTN (PMID: 25589632). Truncating variants in this region have been previously reported in individuals affected with autosomal dominant or autosomal recessive myopathy and muscular dystrophy (PMID: 18948003, 23975875, 24395473). Truncating variants in this region have also been identified in individuals affected with autosomal dominant dilated cardiomyopathy and/or cardio-related conditions (PMID: 27869827, 32964742, internal data). In summary, the currently available evidence indicates that the variant is pathogenic, but additional data are needed to prove that conclusively. Therefore, this variant has been classified as Likely Pathogenic.

Literature cited by the submitters: PubMed 25589632; PubMed 18948003; PubMed 23975875; PubMed 24395473; PubMed 27869827; PubMed 32964742.

NM_001267550.2(TTN):c.102526C>T (p.Gln34176Ter)

Genes: TTN (titin; minus strand), TTN-AS1 (TTN antisense RNA 1; plus strand). Cytogenetic location: 2q31.2.
Variant type: single nucleotide variant.
Coding change: c.102526C>T on transcript NM_001267550.2 (MANE Select); coding-DNA position 102526, C replaced by T.
Protein change: p.Gln34176Ter; replaces glutamine 34176 with a stop codon.
Molecular consequence: nonsense.
Genome position (GRCh38, 1-based): chr2:178,534,089, G>A on the plus strand (C>T on the coding strand, the complement: TTN is on the minus strand). VCF-style: chr2-178534089-G-A. GRCh37 (hg19) VCF-style: chr2-179398816-G-A.
Other names: c.94822C>T, p.Gln31608Ter (NM_133378.4); c.75706C>T, p.Gln25236Ter (NM_133432.3); c.75907C>T, p.Gln25303Ter (NM_133437.4); c.97603C>T, p.Gln32535Ter (NM_001256850.1); c.75331C>T, p.Gln25111Ter (NM_003319.4); short protein forms Q25111*, Q34176*, Q31608*, Q25236*, Q25303*, Q32535*.
Identifiers: ClinVar variation 2938185 (VCV002938185.3), dbSNP rs2468520945, ClinGen allele CA349417342.